The following is an entry in ClinVar:

ClinVar aggregate classification (germline): Uncertain significance. Review status: criteria provided, multiple submitters, no conflicts (2 of 4 stars). 2 submissions from 2 submitters: Uncertain significance (2). Last evaluated 2025-06-15.

Conditions:
Cardiovascular phenotype. Identifiers: MedGen CN230736.
Dilated cardiomyopathy 1KK (CMD1KK). Identifiers: Orphanet 154, Orphanet 75249, MedGen C3714995, MONDO:0014100, OMIM 615248.

Allele frequency attached by ClinVar (database versions not stated): 1000 Genomes Project 30x 0.00016.
gnomAD v4.1: 15 of 1,614,238 alleles (0.00093%); highest among the groups gnomAD compares: East Asian, 0.031%; no homozygotes.

Submissions (2):

Labcorp Genetics (formerly Invitae), Labcorp
Classification: Uncertain significance for Dilated cardiomyopathy 1KK. Last evaluated: 2025-06-15. Review status: criteria provided, single submitter. Criteria: Invitae Variant Classification Sherloc (09022015). Collection method: clinical testing. Allele origin: germline.
Comment: This sequence change replaces aspartic acid, which is acidic and polar, with glycine, which is neutral and non-polar, at codon 221 of the MYPN protein (p.Asp221Gly). This variant is present in population databases (rs185841477, gnomAD 0.06%). This variant has not been reported in the literature in individuals affected with MYPN-related conditions. ClinVar contains an entry for this variant (Variation ID: 477764). An algorithm developed to predict the effect of missense changes on protein structure and function (PolyPhen-2) suggests that this variant is likely to be tolerated. In summary, the available evidence is currently insufficient to determine the role of this variant in disease. Therefore, it has been classified as a Variant of Uncertain Significance.

Ambry Genetics
Classification: Uncertain significance for Cardiovascular phenotype. Last evaluated: 2024-06-17. Review status: criteria provided, single submitter. Criteria: Ambry Variant Classification Scheme 2023. Collection method: clinical testing. Allele origin: germline.
Comment: The p.D221G variant (also known as c.662A>G), located in coding exon 1 of the MYPN gene, results from an A to G substitution at nucleotide position 662. The aspartic acid at codon 221 is replaced by glycine, an amino acid with similar properties. Another alteration affecting the same amino acid, p.D221G (c.662A>T), has been reported in association with sudden unexplained death in infancy (Hertz CL et al. Eur. J. Hum. Genet., 2016 06;24:817-22). This amino acid position is well conserved in available vertebrate species. In addition, this alteration is predicted to be tolerated by in silico analysis. Since supporting evidence is limited at this time, the clinical significance of this alteration remains unclear.

Literature cited by the submitters: PubMed 26350513 (cited by Ambry Genetics).

NM_032578.4(MYPN):c.662A>G (p.Asp221Gly)

Gene: MYPN (myopalladin; plus strand). Cytogenetic location: 10q21.3.
Variant type: single nucleotide variant.
Coding change: c.662A>G on transcript NM_032578.4 (MANE Select); coding-DNA position 662, A replaced by G.
Protein change: p.Asp221Gly; replaces aspartic acid 221 with glycine.
Molecular consequence: missense variant. On other transcripts: 5 prime UTR variant (1), non-coding transcript variant (1).
Genome position (GRCh38, 1-based): chr10:68,122,100, A>G. VCF-style: chr10-68122100-A-G. GRCh37 (hg19) VCF-style: chr10-69881857-A-G.
Other names: c.662A>G, p.Asp221Gly (NM_001256267.2); c.-461A>G (NM_001256268.2); short protein forms D221G.
Identifiers: ClinVar variation 477764 (VCV000477764.13), dbSNP rs185841477, ClinGen allele CA5522309.